The following is an entry in ClinVar:

ClinVar aggregate classification (germline): Uncertain significance. Review status: criteria provided, multiple submitters, no conflicts (2 of 4 stars). 2 submissions from 2 submitters: Uncertain significance (2). Last evaluated 2025-09-21.

Allele frequency attached by ClinVar (database versions not stated): gnomAD exomes 0.00001; gnomAD 0.00006; TOPMed 0.00015.
gnomAD v4.1: 15 of 1,450,348 alleles (0.001%); highest among the groups gnomAD compares: Admixed American, 0.034%; no homozygotes.

Submissions (2):

Labcorp Genetics (formerly Invitae), Labcorp
Classification: Uncertain significance. Last evaluated: 2025-09-21. Review status: criteria provided, single submitter. Criteria: Invitae Variant Classification Sherloc (09022015). Collection method: clinical testing. Allele origin: germline.
Comment: This sequence change replaces histidine, which is basic and polar, with aspartic acid, which is acidic and polar, at codon 587 of the TNS2 protein (p.His587Asp). This variant is present in population databases (no rsID available, gnomAD 0.1%). This variant has not been reported in the literature in individuals affected with TNS2-related conditions. ClinVar contains an entry for this variant (Variation ID: 2209850). An algorithm developed to predict the effect of missense changes on protein structure and function (PolyPhen-2) suggests that this variant is likely to be tolerated. In summary, the available evidence is currently insufficient to determine the role of this variant in disease. Therefore, it has been classified as a Variant of Uncertain Significance.

Ambry Genetics
Classification: Uncertain significance. Last evaluated: 2024-01-04. Review status: criteria provided, single submitter. Criteria: Ambry Variant Classification Scheme 2023. Collection method: clinical testing. Allele origin: germline.

NM_170754.4(TNS2):c.1729C>G (p.His577Asp)

Gene: TNS2 (tensin 2; plus strand). Cytogenetic location: 12q13.13.
Variant type: single nucleotide variant.
Coding change: c.1729C>G on transcript NM_170754.4 (MANE Select); coding-DNA position 1729, C replaced by G.
Protein change: p.His577Asp; replaces histidine 577 with aspartic acid.
Molecular consequence: missense variant.
Genome position (GRCh38, 1-based): chr12:53,059,370, C>G. VCF-style: chr12-53059370-C-G. GRCh37 (hg19) VCF-style: chr12-53453154-C-G.
Other names: c.1729C>G, p.His577Asp (NM_001416202.1); c.1687C>G, p.His563Asp (NM_001416203.1); c.1756C>G, p.His586Asp (NM_001416204.1); c.1660C>G, p.His554Asp (NM_015319.3); c.1357C>G, p.His453Asp (NM_198316.2); short protein forms H577D, H453D, H587D, H554D, H563D, H586D.
Identifiers: ClinVar variation 2209850 (VCV002209850.3), dbSNP rs998909000, ClinGen allele CA237296855.